The following is an entry in ClinVar:

ClinVar aggregate classification (germline): Uncertain significance. Review status: criteria provided, multiple submitters, no conflicts (2 of 4 stars). 3 submissions from 3 submitters: Uncertain significance (3). Last evaluated 2025-10-09.

Conditions:
Hereditary cancer-predisposing syndrome. Also called: Hereditary neoplastic syndrome; Neoplastic Syndromes, Hereditary; Tumor predisposition; Hereditary Cancer Syndrome. Identifiers: Orphanet 140162, MedGen C0027672, MeSH D009386, MONDO:0015356.
Familial adenomatous polyposis 1 (FAP1). Also called: FAMILIAL ADENOMATOUS POLYPOSIS 1, ATTENUATED; POLYPOSIS, ADENOMATOUS INTESTINAL. Identifiers: MedGen C2713442, MONDO:0021056, OMIM 175100. Disease mechanism: loss of function.

Allele frequency attached by ClinVar (database versions not stated): gnomAD exomes below 0.00001.
gnomAD v4.1: 4 of 1,613,940 alleles (0.00025%); highest among the groups gnomAD compares: South Asian, 0.0011%; no homozygotes.

Submissions (3):

Labcorp Genetics (formerly Invitae), Labcorp
Classification: Uncertain significance for Familial adenomatous polyposis 1. Last evaluated: 2025-10-09. Review status: criteria provided, single submitter. Criteria: Invitae Variant Classification Sherloc (09022015). Collection method: clinical testing. Allele origin: germline.
Comment: This sequence change replaces serine, which is neutral and polar, with phenylalanine, which is neutral and non-polar, at codon 2343 of the APC protein (p.Ser2343Phe). This variant is not present in population databases (gnomAD no frequency). This variant has not been reported in the literature in individuals affected with APC-related conditions. ClinVar contains an entry for this variant (Variation ID: 422747). Invitae Evidence Modeling of protein sequence and biophysical properties (such as structural, functional, and spatial information, amino acid conservation, physicochemical variation, residue mobility, and thermodynamic stability) indicates that this missense variant is not expected to disrupt APC protein function with a negative predictive value of 95%. In summary, the available evidence is currently insufficient to determine the role of this variant in disease. Therefore, it has been classified as a Variant of Uncertain Significance.

Ambry Genetics
Classification: Uncertain significance for Hereditary cancer-predisposing syndrome. Last evaluated: 2022-08-30. Review status: criteria provided, single submitter. Criteria: Ambry Variant Classification Scheme 2023. Collection method: clinical testing. Allele origin: germline.
Comment: The p.S2343F variant (also known as c.7028C>T), located in coding exon 15 of the APC gene, results from a C to T substitution at nucleotide position 7028. The serine at codon 2343 is replaced by phenylalanine, an amino acid with highly dissimilar properties. This amino acid position is highly conserved in available vertebrate species. In addition, in silico predictors for this gene do not accurately predict pathogenicity. Since supporting evidence is limited at this time, the clinical significance of this alteration remains unclear.

GeneDx
Classification: Uncertain significance. Last evaluated: 2016-11-12. Review status: criteria provided, single submitter. Criteria: GeneDx Variant Classification (06012015). Collection method: clinical testing. Allele origin: germline. Affected: yes.
Comment: This variant is denoted APC c.7028C>T at the cDNA level, p.Ser2343Phe (S2343F) at the protein level, and results in the change of a Serine to a Phenylalanine (TCT>TTT). This variant has not, to our knowledge, been published in the literature as pathogenic or benign. APC Ser2343Phe was not observed in approximately 6,500 individuals of European and African American ancestry in the NHLBI Exome Sequencing Project, suggesting it is not a common benign variant in these populations. Since Serine and Phenylalanine differ in polarity, charge, size or other properties, this is considered a non-conservative amino acid substitution. APC Ser2343Phe occurs at a position where amino acids with properties similar to Serine are tolerated across species and is located in the basic domain (Azzopardi 2008). In silico analyses predict that this variant is probably damaging to protein structure and function. Based on currently available evidence, it is unclear whether APC Ser2343Phe is a pathogenic or benign variant. We consider it to be a variant of uncertain significance.

NM_000038.6(APC):c.7028C>T (p.Ser2343Phe)

Gene: APC (APC regulator of Wnt signaling pathway; plus strand). Cytogenetic location: 5q22.2.
Variant type: single nucleotide variant.
Coding change: c.7028C>T on transcript NM_000038.6 (MANE Select); coding-DNA position 7028, C replaced by T.
Protein change: p.Ser2343Phe; replaces serine 2343 with phenylalanine.
Molecular consequence: missense variant.
Genome position (GRCh38, 1-based): chr5:112,842,622, C>T. VCF-style: chr5-112842622-C-T. GRCh37 (hg19) VCF-style: chr5-112178319-C-T.
Other names: c.7028C>T, p.Ser2343Phe (NM_001127510.3, NM_001354895.2); c.6974C>T, p.Ser2325Phe (NM_001127511.3); c.7082C>T, p.Ser2361Phe (NM_001354896.2); c.7058C>T, p.Ser2353Phe (NM_001354897.2); c.6953C>T, p.Ser2318Phe (NM_001354898.2); c.6944C>T, p.Ser2315Phe (NM_001354899.2); c.6905C>T, p.Ser2302Phe (NM_001354900.2); c.6851C>T, p.Ser2284Phe (NM_001354901.2); and 5 more; short protein forms S2325F, S2343F, S2183F, S2217F, S2284F, S2252F, S2318F, S2060F.
Identifiers: ClinVar variation 422747 (VCV000422747.9), dbSNP rs1064795972, ClinGen allele CA16036653.